The following is an entry in ClinVar:

NM_000245.4(MET):c.4051C>T (p.His1351Tyr)

Gene: MET (MET proto-oncogene, receptor tyrosine kinase; plus strand). Cytogenetic location: 7q31.2.
Variant type: single nucleotide variant.
Coding change: c.4051C>T on transcript NM_000245.4 (MANE Select); coding-DNA position 4051, C replaced by T.
Protein change: p.His1351Tyr; replaces histidine 1351 with tyrosine.
Molecular consequence: missense variant.
Genome position (GRCh38, 1-based): chr7:116,796,002, C>T. VCF-style: chr7-116796002-C-T. GRCh37 (hg19) VCF-style: chr7-116436056-C-T.
Other names: c.4105C>T, p.His1369Tyr (NM_001127500.3); c.2761C>T, p.His921Tyr (NM_001324402.2); short protein forms H1351Y, H1369Y, H921Y.
Identifiers: ClinVar variation 1059379 (VCV001059379.9), dbSNP rs2117112144, ClinGen allele CA369118293.

ClinVar aggregate classification (germline): Uncertain significance (1 of 4 stars; one submission).

Conditions:
Renal cell carcinoma. Identifiers: Orphanet 217071, MedGen C0007134, MeSH D002292, MONDO:0005086, HP:0005584.

Submission:

Labcorp Genetics (formerly Invitae), Labcorp
Classification: Uncertain significance for Renal cell carcinoma. Last evaluated: 2023-08-10. Review status: criteria provided, single submitter. Criteria: Invitae Variant Classification Sherloc (09022015). Collection method: clinical testing. Allele origin: germline.
Comment: Advanced modeling of protein sequence and biophysical properties (such as structural, functional, and spatial information, amino acid conservation, physicochemical variation, residue mobility, and thermodynamic stability) performed at Invitae indicates that this missense variant is not expected to disrupt MET protein function. ClinVar contains an entry for this variant (Variation ID: 1059379). This variant has not been reported in the literature in individuals affected with MET-related conditions. This variant is not present in population databases (gnomAD no frequency). This sequence change replaces histidine, which is basic and polar, with tyrosine, which is neutral and polar, at codon 1369 of the MET protein (p.His1369Tyr). In summary, the available evidence is currently insufficient to determine the role of this variant in disease. Therefore, it has been classified as a Variant of Uncertain Significance.